The following is an entry in ClinVar:

NM_003482.4(KMT2D):c.7102A>G (p.Ile2368Val)

Gene: KMT2D (lysine methyltransferase 2D; minus strand). Cytogenetic location: 12q13.12.
Variant type: single nucleotide variant.
Coding change: c.7102A>G on transcript NM_003482.4 (MANE Select); coding-DNA position 7102, A replaced by G.
Protein change: p.Ile2368Val; replaces isoleucine 2368 with valine.
Molecular consequence: missense variant.
Genome position (GRCh38, 1-based): chr12:49,040,668, T>C on the plus strand (A>G on the coding strand, the complement: KMT2D is on the minus strand). VCF-style: chr12-49040668-T-C. GRCh37 (hg19) VCF-style: chr12-49434451-T-C.
Other names: short protein forms I2368V.
Identifiers: ClinVar variation 5002189 (VCV005002189.1).

ClinVar aggregate classification (germline): Uncertain significance (1 of 4 stars; one submission).

Conditions:
KMT2D-related disorder. Also called: KMT2D-Related Disorders.

Submission:

PreventionGenetics, part of Exact Sciences
Classification: Uncertain significance for KMT2D-related condition. Last evaluated: 2025-04-17. Review status: criteria provided, single submitter. Criteria: ACMG Guidelines, 2015. Collection method: clinical testing. Allele origin: germline.
Comment: The KMT2D c.7102A>G variant is predicted to result in the amino acid substitution p.Ile2368Val. To our knowledge, this variant has not been reported in the literature or in a large population database (gnomAD), indicating this variant is rare. At this time, the clinical significance of this variant is uncertain due to the absence of conclusive functional and genetic evidence.